The following is an entry in ClinVar:

ClinVar aggregate classification (germline): Uncertain significance. Review status: criteria provided, multiple submitters, no conflicts (2 of 4 stars). 2 submissions from 2 submitters: Uncertain significance (2). Last evaluated 2024-09-04.

Conditions:
Primary ciliary dyskinesia 28. Also called: CILIARY DYSKINESIA, PRIMARY, 28, WITH OR WITHOUT SITUS INVERSUS. Identifiers: Orphanet 244, MedGen C3809706, MONDO:0014216, OMIM 615505.
Primary ciliary dyskinesia. Also called: Ciliary dyskinesia. Identifiers: Orphanet 244, MedGen C0008780, MONDO:0016575, HP:0012265.

Allele frequency attached by ClinVar (database versions not stated): gnomAD exomes 0.00001 and 0.00003; TOPMed 0.00001; ExAC 0.00002; gnomAD 0.00003; 1000 Genomes Project 30x 0.00016; 1000 Genomes Project 0.00020.
gnomAD v4.1: 45 of 1,612,532 alleles (0.0028%); highest among the groups gnomAD compares: East Asian, 0.0045%; no homozygotes.

Submissions (2):

Ambry Genetics
Classification: Uncertain significance for Primary ciliary dyskinesia. Last evaluated: 2024-09-04. Review status: criteria provided, single submitter. Criteria: Ambry Variant Classification Scheme 2023. Collection method: clinical testing. Allele origin: germline.
Comment: The p.R132H variant (also known as c.395G>A), located in coding exon 3 of the SPAG1 gene, results from a G to A substitution at nucleotide position 395. The arginine at codon 132 is replaced by histidine, an amino acid with highly similar properties. This amino acid position is conserved. In addition, this alteration is predicted to be tolerated by in silico analysis. Based on the available evidence, the clinical significance of this variant remains unclear.

Labcorp Genetics (formerly Invitae), Labcorp
Classification: Uncertain significance for Primary ciliary dyskinesia 28. Last evaluated: 2024-09-01. Review status: criteria provided, single submitter. Criteria: Invitae Variant Classification Sherloc (09022015). Collection method: clinical testing. Allele origin: germline.
Comment: This sequence change replaces arginine, which is basic and polar, with histidine, which is basic and polar, at codon 132 of the SPAG1 protein (p.Arg132His). This variant is present in population databases (rs545486340, gnomAD 0.006%). This variant has not been reported in the literature in individuals affected with SPAG1-related conditions. ClinVar contains an entry for this variant (Variation ID: 1461466). Invitae Evidence Modeling of protein sequence and biophysical properties (such as structural, functional, and spatial information, amino acid conservation, physicochemical variation, residue mobility, and thermodynamic stability) has been performed for this missense variant. However, the output from this modeling did not meet the statistical confidence thresholds required to predict the impact of this variant on SPAG1 protein function. In summary, the available evidence is currently insufficient to determine the role of this variant in disease. Therefore, it has been classified as a Variant of Uncertain Significance.

NM_003114.5(SPAG1):c.395G>A (p.Arg132His)

Gene: SPAG1 (sperm associated antigen 1; plus strand). Cytogenetic location: 8q22.2.
Variant type: single nucleotide variant.
Coding change: c.395G>A on transcript NM_003114.5 (MANE Select); coding-DNA position 395, G replaced by A.
Protein change: p.Arg132His; replaces arginine 132 with histidine.
Molecular consequence: missense variant.
Genome position (GRCh38, 1-based): chr8:100,177,910, G>A. VCF-style: chr8-100177910-G-A. GRCh37 (hg19) VCF-style: chr8-101190138-G-A.
Other names: c.395G>A, p.Arg132His (NM_001374321.1, NM_172218.3); c.395G>A (NM_172218.2); short protein forms R132H.
Identifiers: ClinVar variation 1461466 (VCV001461466.7), dbSNP rs545486340, ClinGen allele CA4827237.
Genomic context (GRCh38, chr8:100,177,910, plus strand): 5'-AAATGCACTTTCATGAAACTGAGACATTTCCAGCAATGAAAGATAATTTGCCTCCAGTTC[G>A]TGGTTCAAACAGCTGTCTTCATGTAGGCAAGGTAGGCTTCTTTGATATCTTTGTGGGTGG-3'
Protein context (NP_003105.2, residues 122-142): PAMKDNLPPV[Arg132His]GSNSCLHVGK